The following is an entry in ClinVar:

NM_002755.4(MAP2K1):c.383G>T (p.Gly128Val)

Gene: MAP2K1 (mitogen-activated protein kinase kinase 1; plus strand). Cytogenetic location: 15q22.31.
Variant type: single nucleotide variant.
Coding change: c.383G>T on transcript NM_002755.4 (MANE Select); coding-DNA position 383, G replaced by T.
Protein change: p.Gly128Val; replaces glycine 128 with valine.
Molecular consequence: missense variant.
Genome position (GRCh38, 1-based): chr15:66,436,837, G>T. VCF-style: chr15-66436837-G-T. GRCh37 (hg19) VCF-style: chr15-66729175-G-T.
Other names: short protein forms G128V.
Identifiers: ClinVar variation 13352 (VCV000013352.17), dbSNP rs121908596, ClinGen allele CA280038.

ClinVar aggregate classification (germline): Pathogenic/Likely pathogenic. Review status: criteria provided, multiple submitters, no conflicts (2 of 4 stars). 6 submissions from 6 submitters: Pathogenic (3); Likely pathogenic (2). 1 of the submissions does not count toward it. Last evaluated 2024-11-15.

Conditions:
Cardio-facio-cutaneous syndrome. Also called: Cardiofaciocutaneous syndrome; CFC syndrome. Identifiers: Orphanet 1340, MedGen C1275081, MONDO:0015280. Disease mechanism: gain of function.
Cardiofaciocutaneous syndrome 3 (CFC3). Also called: MAP2K1-Related Cardiofaciocutaneous Syndrome. Identifiers: Orphanet 1340, MedGen C3809006, MONDO:0014113, OMIM 615279.
RASopathy. Also called: Noonan spectrum disorder; rasopathies. Identifiers: Orphanet 536391, MedGen C5555857, MONDO:0021060.

Submissions (6):

3billion
Classification: Pathogenic for Cardiofaciocutaneous syndrome 3. Last evaluated: 2024-11-15. Review status: criteria provided, single submitter. Criteria: ACMG Guidelines, 2015. Collection method: clinical testing. Allele origin: germline. Affected: yes.
Comment: The variant is not observed in the gnomAD v4.1.0 dataset. Predicted Consequence/Location: The variant is located in a mutational hot spot and/or well-established functional domain in which established pathogenic variants have been reported (PMID: 29493581). Missense variant. Missense changes are a common disease-causing mechanism. In silico tool predictions suggest damaging effect of the variant on gene or gene product [REVEL: 0.86 (>=0.6, sensitivity 0.68 and specificity 0.92); 3Cnet: 0.99 (>=0.6, sensitivity 0.72 and precision 0.9)]. The same nucleotide change resulting in the same amino acid change has been previously reported as pathogenic/likely pathogenic with strong evidence (ClinVar ID: VCV000013352 /PMID: 18042262). Different missense changes at the same codon (p.Gly128Ala, p.Gly128Asp) have been reported to be associated with MAP2K1 related disorder (ClinVar ID: VCV000040746, VCV001297058 /PMID: 29758562, 31040167). Therefore, this variant is classified as Pathogenic according to the recommendation of ACMG/AMP guideline.

GeneDx
Classification: Pathogenic. Last evaluated: 2023-06-12. Review status: criteria provided, single submitter. Criteria: GeneDx Variant Classification Process June 2021. Collection method: clinical testing. Allele origin: germline. Affected: yes.
Comment: Transgenic Zebra fish model with the p.(G128V) variant demonstrated features consistent with a RASopathy (Jindal et al., 2017); Identified in a newborn patient with congenital heart disease in published literature (Hakami et al., 2016); Not observed at significant frequency in large population cohorts (gnomAD); In silico analysis supports that this missense variant has a deleterious effect on protein structure/function; Missense variants in this gene are often considered pathogenic (HGMD); This variant is associated with the following publications: (PMID: 24803665, 26918529, 25370473, 22753777, 19156172, 26399658, 22177953, 29493581, 18042262, 31972311, 28049852)

Labcorp Genetics (formerly Invitae), Labcorp
Classification: Pathogenic for RASopathy. Last evaluated: 2021-10-31. Review status: criteria provided, single submitter. Criteria: Invitae Variant Classification Sherloc (09022015). Collection method: clinical testing. Allele origin: germline.
Comment: Experimental studies have shown that this missense change affects MAP2K1 function (PMID: 19376813, 28049852). For these reasons, this variant has been classified as Pathogenic. Advanced modeling of protein sequence and biophysical properties (such as structural, functional, and spatial information, amino acid conservation, physicochemical variation, residue mobility, and thermodynamic stability) performed at Invitae indicates that this missense variant is expected to disrupt MAP2K1 protein function. ClinVar contains an entry for this variant (Variation ID: 13352). This missense change has been observed in individual(s) with cardio-facio-cutaneous syndrome (PMID: 1804226, 18039235, 18413255, 21062266). In at least one individual the variant was observed to be de novo. This variant is not present in population databases (gnomAD no frequency). This sequence change replaces glycine, which is neutral and non-polar, with valine, which is neutral and non-polar, at codon 128 of the MAP2K1 protein (p.Gly128Val).

Molecular Diagnostics Lab, Nemours Children's Health, Delaware
Classification: Likely pathogenic. Last evaluated: 2015-07-21. Review status: criteria provided, single submitter. Criteria: ACMG Guidelines, 2015. Collection method: clinical testing. Allele origin: unknown. Affected: yes. Observed: 1 variant allele.

Laboratory for Molecular Medicine, Mass General Brigham Personalized Medicine
Classification: Likely pathogenic for Cardio-facio-cutaneous syndrome. Last evaluated: 2014-11-21. Review status: criteria provided, single submitter. Criteria: LMM Criteria. Collection method: clinical testing. Allele origin: germline. Observed: 1 variant allele.
Comment: The p.Gly128Val variant in MAP2K1 has been previously identified in 2 individual s with clinical features of Cardio-facio-cutaneous syndrome (Schulz 2008, LMM un published data) and was identified to occur de novo in one of these individuals (Schulz 2008). It was absent from large population studies. Computational predic tion tools and conservation analysis suggest that the p.Gly128Val variant may im pact the protein, though this information is not predictive enough to determine pathogenicity. In summary, the p.Gly128Val variant is likely pathogenic, though additional studies are required to fully establish its clinical significance.

OMIM
Classification: Pathogenic for CARDIOFACIOCUTANEOUS SYNDROME 3. Last evaluated: 2008-01-01. Review status: no assertion criteria provided. Collection method: literature only. Allele origin: germline. Not counted in ClinVar's aggregate classification.

Literature cited by the submitters: PubMed 29758562 (cited by 3billion); PubMed 18042262 (cited by 4 submitters); PubMed 19376813 (cited by Labcorp Genetics (formerly Invitae), Labcorp); PubMed 28049852 (cited by Labcorp Genetics (formerly Invitae), Labcorp); PubMed 1804226 (cited by Labcorp Genetics (formerly Invitae), Labcorp); PubMed 18039235 (cited by Labcorp Genetics (formerly Invitae), Labcorp); PubMed 18413255 (cited by Labcorp Genetics (formerly Invitae), Labcorp); PubMed 21062266 (cited by Labcorp Genetics (formerly Invitae), Labcorp).